The following is an entry in ClinVar:

ClinVar aggregate classification (germline): Pathogenic (1 of 4 stars; one submission).

Submission:

GeneDx
Classification: Pathogenic. Last evaluated: 2022-01-07. Review status: criteria provided, single submitter. Criteria: GeneDx Variant Classification Process June 2021. Collection method: clinical testing. Allele origin: germline. Affected: yes.
Comment: Reported previously in the heterozygous state in a patient with Kabuki syndrome; segregation information is unavailable (Cocciadiferro et al., 2018); Nonsense variant predicted to result in protein truncation or nonsense mediated decay in a gene for which loss-of-function is a known mechanism of disease; Not observed at significant frequency in large population cohorts (gnomAD); This variant is associated with the following publications: (PMID: 30107592)

NM_003482.4(KMT2D):c.1016G>A (p.Trp339Ter)

Gene: KMT2D (lysine methyltransferase 2D; minus strand). Cytogenetic location: 12q13.12.
Variant type: single nucleotide variant.
Coding change: c.1016G>A on transcript NM_003482.4 (MANE Select); coding-DNA position 1016, G replaced by A.
Protein change: p.Trp339Ter; replaces tryptophan 339 with a stop codon.
Molecular consequence: nonsense.
Genome position (GRCh38, 1-based): chr12:49,053,011, C>T on the plus strand (G>A on the coding strand, the complement: KMT2D is on the minus strand). VCF-style: chr12-49053011-C-T. GRCh37 (hg19) VCF-style: chr12-49446794-C-T.
Other names: short protein forms W339*.
Identifiers: ClinVar variation 1695874 (VCV001695874.2), dbSNP rs2120692527, ClinGen allele CA384678529.